The following is an entry in ClinVar:

ClinVar aggregate classification (germline): Uncertain significance (1 of 4 stars; one submission).

Conditions:
Cardiovascular phenotype. Identifiers: MedGen CN230736.

gnomAD v4.1: 1 of 1,539,858 alleles (0.000065%); highest among the groups gnomAD compares: African/African-American, 0.0014%; no homozygotes.

Submission:

Ambry Genetics
Classification: Uncertain significance for Cardiovascular phenotype. Last evaluated: 2022-08-20. Review status: criteria provided, single submitter. Criteria: Ambry Variant Classification Scheme 2023. Collection method: clinical testing. Allele origin: germline.
Comment: The p.K3445T variant (also known as c.10334A>C), located in coding exon 2 of the ZNF469 gene, results from an A to C substitution at nucleotide position 10334. The lysine at codon 3445 is replaced by threonine, an amino acid with similar properties. This amino acid position is conserved. In addition, this alteration is predicted to be tolerated by in silico analysis. Since supporting evidence is limited at this time, the clinical significance of this alteration remains unclear.

NM_001367624.2(ZNF469):c.10418A>C (p.Lys3473Thr)

Gene: ZNF469 (zinc finger protein 469; plus strand). Cytogenetic location: 16q24.2.
Variant type: single nucleotide variant.
Coding change: c.10418A>C on transcript NM_001367624.2 (MANE Select); coding-DNA position 10418, A replaced by C.
Protein change: p.Lys3473Thr; replaces lysine 3473 with threonine.
Molecular consequence: missense variant.
Genome position (GRCh38, 1-based): chr16:88,437,888, A>C. VCF-style: chr16-88437888-A-C. GRCh37 (hg19) VCF-style: chr16-88504296-A-C.
Other names: NM_001127464.1:c.10334A>C; short protein forms K3473T.
Identifiers: ClinVar variation 1771737 (VCV001771737.2), dbSNP rs2507606346, ClinGen allele CA397126938.